The following is an entry in ClinVar:

ClinVar aggregate classification (germline): Uncertain significance (1 of 4 stars; one submission).

Submission:

Ambry Genetics
Classification: Uncertain significance. Last evaluated: 2022-03-06. Review status: criteria provided, single submitter. Criteria: Ambry Variant Classification Scheme 2023. Collection method: clinical testing. Allele origin: germline.
Comment: The p.S1409C variant (also known as c.4226C>G), located in coding exon 33 of the PRKDC gene, results from a C to G substitution at nucleotide position 4226. The serine at codon 1409 is replaced by cysteine, an amino acid with dissimilar properties. This amino acid position is conserved. Since supporting evidence is limited at this time, the clinical significance of this alteration remains unclear.

NM_006904.7(PRKDC):c.4226C>G (p.Ser1409Cys)

Gene: PRKDC (protein kinase, DNA-activated, catalytic subunit; minus strand). Cytogenetic location: 8q11.21.
Variant type: single nucleotide variant.
Coding change: c.4226C>G on transcript NM_006904.7 (MANE Select); coding-DNA position 4226, C replaced by G.
Protein change: p.Ser1409Cys; replaces serine 1409 with cysteine.
Molecular consequence: missense variant.
Genome position (GRCh38, 1-based): chr8:47,889,068, G>C on the plus strand (C>G on the coding strand, the complement: PRKDC is on the minus strand). VCF-style: chr8-47889068-G-C. GRCh37 (hg19) VCF-style: chr8-48801629-G-C.
Other names: c.4226C>G, p.Ser1409Cys (NM_001081640.2); short protein forms S1409C.
Identifiers: ClinVar variation 1738860 (VCV001738860.2), dbSNP rs376814572, ClinGen allele CA371146336.